The following is an entry in ClinVar:

ClinVar aggregate classification (germline): Pathogenic/Likely pathogenic. Review status: criteria provided, multiple submitters, no conflicts (2 of 4 stars). 4 submissions from 4 submitters: Pathogenic (2); Likely pathogenic (2). Last evaluated 2025-02-16.

Conditions:
8q24.3 microdeletion syndrome. Also called: Verheij syndrome; CHROMOSOME 8q24.3 DELETION SYNDROME. Identifiers: Orphanet 508488, MedGen C3810023, MONDO:0014263, OMIM 615583.

Submissions (4):

Laboratory of Genetics, Children's Clinical University Hospital Latvia
Classification: Pathogenic. Last evaluated: 2025-02-16. Review status: criteria provided, single submitter. Criteria: ACMG Guidelines, 2015. Collection method: clinical testing. Allele origin: germline. Affected: yes.

GeneDx
Classification: Pathogenic. Last evaluated: 2024-04-05. Review status: criteria provided, single submitter. Criteria: GeneDx Variant Classification Process June 2021. Collection method: clinical testing. Allele origin: germline. Affected: yes.
Comment: Frameshift variant predicted to result in protein truncation or nonsense mediated decay in a gene for which loss-of-function is a known mechanism of disease; Not observed at significant frequency in large population cohorts (gnomAD); This variant is associated with the following publications: (PMID: 28327570, 27535533)

Bristol Genetics Laboratory, North Bristol NHS Trust
Classification: Likely pathogenic. Last evaluated: 2017-01-19. Review status: criteria provided, single submitter. Criteria: ACGS Guidelines, 2013. Collection method: research. Allele origin: de novo. Affected: yes. Observed: 1 heterozygote.

Institute of Human Genetics, University of Leipzig Medical Center
Classification: Likely pathogenic for 8q24.3 microdeletion syndrome. Last evaluated: 2016-06-01. Review status: criteria provided, single submitter. Criteria: ACMG Guidelines, 2015. Collection method: clinical testing. Allele origin: de novo. Affected: yes. Observed: 1 variant allele.
Comment: This variant was identified as de novo (maternity and paternity confirmed).

Literature cited by the submitters: PubMed 28327570 (cited by Bristol Genetics Laboratory, North Bristol NHS Trust).

NM_078480.3(PUF60):c.619_637del (p.Asn207fs)

Gene: PUF60 (poly(U) binding splicing factor 60; minus strand). Cytogenetic location: 8q24.3.
Variant type: Deletion.
Coding change: c.619_637del on transcript NM_078480.3 (MANE Select); coding-DNA positions 619 to 637, 19 bases deleted (AACATAGGGCAGGCCCAGC).
Protein change: p.Asn207fs; shifts the reading frame from asparagine 207.
Molecular consequence: frameshift variant.
Genome position (GRCh38, 1-based): chr8:143,818,042-143,818,060, GCTGGGCCTGCCCTATGTT deleted on the plus strand (AACATAGGGCAGGCCCAGC on the coding strand, the reverse complement: PUF60 is on the minus strand); deleting any 19 consecutive bases within chr8:143,818,042-143,818,066 gives the same sequence; the c. name uses the placement nearest the transcript's 3' end. VCF-style (leftmost placement, unchanged base first): chr8-143818041-GGCTGGGCCTGCCCTATGTT-G. GRCh37 (hg19) VCF-style: chr8-144900211-GGCTGGGCCTGCCCTATGTT-G.
Other names: c.490_508del, p.Asn164fs (NM_001136033.3); c.565_583del, p.Asn189fs (NM_001271096.2); c.481_499del, p.Asn161fs (NM_001271097.2); c.616_634del, p.Asn206fs (NM_001271098.2); c.532_550del, p.Asn178fs (NM_001271099.2); c.439_457del, p.Asn147fs (NM_001271100.2); c.730_748del, p.Asn244fs (NM_001362895.2, NM_001362896.2); c.679_697del, p.Asn227fs (NM_001362897.2); and 2 more; short protein forms N189fs, N206fs, N244fs, N161fs, N227fs, N147fs, N164fs, N178fs.
Identifiers: ClinVar variation 425573 (VCV000425573.7), dbSNP rs1554643142, ClinGen allele CA645294049.
Genomic context (GRCh38, chr8:143,818,041, plus strand): 5'-ACAGAGGCCACGTAGATGCGGTTGAAGGCCCGTGCCTCCTCAGCCAACTGGTCTATGATG[GGCTGGGCCTGCCCTATGTT>G]GCTGGGTCTGCCCACCTGGGGAAGAGGCGGTGAGATGGAAAGACCGGTCAACCCAGGCCC-3'